The following is an entry in ClinVar:

ClinVar aggregate classification (germline): Likely benign. Review status: criteria provided, multiple submitters, no conflicts (2 of 4 stars). 4 submissions from 4 submitters: Likely benign (4). Last evaluated 2025-07-22.

Conditions:
Cardiovascular phenotype. Identifiers: MedGen CN230736.
Hypercholesterolemia, autosomal dominant, type B (FHCL2). Also called: APOB-Related Familial Hypercholesterolemia, Autosomal Dominant; Hyperlipoproteinemia Type IIb; Familial Hypercholesterolemia Type B; APOLIPOPROTEIN B-100, FAMILIAL DEFECTIVE; APOLIPOPROTEIN B-100, FAMILIAL LIGAND-DEFECTIVE; Familial hypercholesterolemia 2. Identifiers: MedGen C1704417, MONDO:0007751, OMIM 144010.
Familial hypobetalipoproteinemia 1. Also called: APOB-Related Familial Hypobetalipoproteinemia; Hypobetalipoproteinemia, normotriglyceridemic; Acanthocytosis with hypobetalipoproteinemia. Identifiers: MedGen C4551990, MONDO:0014252, OMIM 615558.
Familial hypercholesterolemia. Also called: Familial hypercholesterolemias; Familial hypercholesterolaemia. Identifiers: MedGen C0020445, MONDO:0005439.

Allele frequency attached by ClinVar (database versions not stated): ExAC 0.00003; gnomAD exomes 0.00004 and 0.00016; gnomAD 0.00007 and 0.00008; TOPMed 0.00008.
gnomAD v4.1: 230 of 1,613,830 alleles (0.014%); highest among the groups gnomAD compares: Non-Finnish European, 0.019%; no homozygotes.

Submissions (4):

Labcorp Genetics (formerly Invitae), Labcorp
Classification: Likely benign for Familial hypobetalipoproteinemia 1; Hypercholesterolemia, autosomal dominant, type B. Last evaluated: 2025-07-22. Review status: criteria provided, single submitter. Criteria: Invitae Variant Classification Sherloc (09022015). Collection method: clinical testing. Allele origin: germline.

GENinCode PLC
Classification: Likely benign for Familial hypercholesterolemia. Last evaluated: 2025-01-09. Review status: criteria provided, single submitter. Criteria: ACMG Guidelines, 2015. Collection method: clinical testing. Allele origin: germline.
Comment: This is a synonymous (silent) variant that is not predicted to impact splicing and occurs at a nucleotide which is not highly conserved. This variant has been classified as Likely Benign (BP4, BP7).

Ambry Genetics
Classification: Likely benign for Cardiovascular phenotype. Last evaluated: 2022-05-09. Review status: criteria provided, single submitter. Criteria: Ambry Variant Classification Scheme 2023. Collection method: clinical testing. Allele origin: germline.

Women's Health and Genetics/Laboratory Corporation of America, LabCorp
Classification: Likely benign. Last evaluated: 2021-06-27. Review status: criteria provided, single submitter. Criteria: LabCorp Variant Classification Summary - May 2015. Collection method: clinical testing. Allele origin: germline.

NM_000384.3(APOB):c.10509G>A (p.Ser3503=)

Gene: APOB (apolipoprotein B; minus strand). Cytogenetic location: 2p24.1.
Variant type: single nucleotide variant.
Coding change: c.10509G>A on transcript NM_000384.3 (MANE Select); coding-DNA position 10509, G replaced by A.
Protein change: p.Ser3503=; no amino-acid change (serine 3503 retained).
Molecular consequence: synonymous variant.
Genome position (GRCh38, 1-based): chr2:21,006,359, C>T on the plus strand (G>A on the coding strand, the complement: APOB is on the minus strand). VCF-style: chr2-21006359-C-T. GRCh37 (hg19) VCF-style: chr2-21229231-C-T.
Identifiers: ClinVar variation 630256 (VCV000630256.17), dbSNP rs769351301, ClinGen allele CA043800.
Genomic context (GRCh38, chr2:21,006,359, plus strand): 5'-GGAATTCAAGTAAGTGTTGGCCTCACTAGCAATAGTTCCTGAATATTCCCGAGAAAGAAC[C>T]GAACCCTTGACATCTCCTTTGGTAGATGACTCAATGGAAAAGTAAGAGGTGAGGCTTTCC-3'
Protein context (NP_000375.3, residues 3493-3513): ESSTKGDVKG[Ser3503=]VLSREYSGTI